The following is an entry in ClinVar:

ClinVar aggregate classification (germline): Pathogenic. Review status: criteria provided, multiple submitters, no conflicts (2 of 4 stars). 2 submissions from 2 submitters: Pathogenic (2). Last evaluated 2023-08-22.

Conditions:
Metachromatic leukodystrophy (MLD). Also called: Cerebral sclerosis diffuse metachromatic form; METACHROMATIC LEUKOENCEPHALOPATHY; Arylsulfatase A Deficiency; SULFATIDE LIPIDOSIS; ARSA DEFICIENCY; CEREBROSIDE SULFATASE DEFICIENCY. Identifiers: Orphanet 512, MedGen C0023522, MONDO:0018868, OMIM 250100.

Allele frequency attached by ClinVar (database versions not stated): gnomAD exomes below 0.00001.

Submissions (2):

GeneDx
Classification: Pathogenic. Last evaluated: 2023-08-22. Review status: criteria provided, single submitter. Criteria: GeneDx Variant Classification Process June 2021. Collection method: clinical testing. Allele origin: germline. Affected: yes.
Comment: Canonical splice site variant predicted to result in a null allele in a gene for which loss of function is a known mechanism of disease; Not observed at significant frequency in large population cohorts (gnomAD); This variant is associated with the following publications: (PMID: 15375602)

Labcorp Genetics (formerly Invitae), Labcorp
Classification: Pathogenic for Metachromatic leukodystrophy. Last evaluated: 2022-07-15. Review status: criteria provided, single submitter. Criteria: Invitae Variant Classification Sherloc (09022015). Collection method: clinical testing. Allele origin: germline.
Comment: For these reasons, this variant has been classified as Pathogenic. Algorithms developed to predict the effect of sequence changes on RNA splicing suggest that this variant may disrupt the consensus splice site. ClinVar contains an entry for this variant (Variation ID: 1068641). Disruption of this splice site has been observed in individual(s) with late-infantile metachromatic leukodystrophy (PMID: 15375602). In at least one individual the data is consistent with being in trans (on the opposite chromosome) from a pathogenic variant. This variant is present in population databases (no rsID available, gnomAD 0.003%). This sequence change affects an acceptor splice site in intron 3 of the ARSA gene. It is expected to disrupt RNA splicing. Variants that disrupt the donor or acceptor splice site typically lead to a loss of protein function (PMID: 16199547), and loss-of-function variants in ARSA are known to be pathogenic (PMID: 8962139, 10477432).

Literature cited by the submitters: PubMed 15375602 (cited by Labcorp Genetics (formerly Invitae), Labcorp); PubMed 16199547 (cited by Labcorp Genetics (formerly Invitae), Labcorp); PubMed 8962139 (cited by Labcorp Genetics (formerly Invitae), Labcorp); PubMed 10477432 (cited by Labcorp Genetics (formerly Invitae), Labcorp).

NM_000487.6(ARSA):c.685-2A>G

Gene: ARSA (arylsulfatase A; minus strand). Cytogenetic location: 22q13.33.
Variant type: single nucleotide variant.
Coding change: c.685-2A>G on transcript NM_000487.6 (MANE Select); the canonical splice acceptor site of the intron before coding-DNA position 685, A replaced by G.
Molecular consequence: splice acceptor variant.
Genome position (GRCh38, 1-based): chr22:50,626,762, T>C on the plus strand (A>G on the coding strand, the complement: ARSA is on the minus strand). VCF-style: chr22-50626762-T-C. GRCh37 (hg19) VCF-style: chr22-51065190-T-C.
Other names: c.427-2A>G (NM_001362782.2, NM_001085428.3); c.685-2A>G (NM_001085427.3, NM_001085426.3, NM_001085425.3).
Identifiers: ClinVar variation 1068641 (VCV001068641.12), dbSNP rs1490196552, ClinGen allele CA412176804.
Genomic context (GRCh38, chr22:50,626,762, plus strand): 5'-GGCCCGCGGCCTGAACGCTCTGCAAAGCTCTGCCCACTGAACTGAGGGTAGTGGGTGTGC[T>C]GGGGGCAAAGACTGGAGTTAGCACTGGGTAGGGGTCACGGGCAGCCAGGGGGTTGGGCCA-3'